The following is an entry in ClinVar:

ClinVar aggregate classification (germline): Conflicting classifications of pathogenicity. Review status: criteria provided, conflicting classifications (1 of 4 stars). 2 submissions from 2 submitters: Uncertain significance (1); Likely benign (1). Last evaluated 2025-02-27.

Conditions:
Heterotopia, periventricular, X-linked dominant (PVNH1). Also called: PERIVENTRICULAR NODULAR HETEROTOPIA 4; HETEROTOPIA, PERIVENTRICULAR, 1; PERIVENTRICULAR NODULAR HETEROTOPIA 1; X-linked periventricular heterotopia. Identifiers: Orphanet 2149, Orphanet 82004, MedGen C1848213, MONDO:0010233, OMIM 300049.
Oto-palato-digital syndrome, type II (OPD2). Also called: Otopalatodigital Syndrome, Type II; Otopalatodigital Syndrome Type 2 (FLNA-OPD2); FACIOPALATOOSSEOUS SYNDROME; OPD II SYNDROME. Identifiers: Orphanet 669, Orphanet 90652, MedGen C1844696, MONDO:0010571, OMIM 304120.
Frontometaphyseal dysplasia (FMD1). Identifiers: Orphanet 1826, MedGen C0265293, MONDO:0015942.
Melnick-Needles syndrome (MNS). Also called: Melnick-Needles Syndrome (FLNA-MNS); MELNICK-NEEDLES OSTEODYSPLASTY; OSTEODYSPLASTY OF MELNICK AND NEEDLES. Identifiers: Orphanet 2484, MedGen C0025237, MONDO:0010650, OMIM 309350.

Allele frequency attached by ClinVar (database versions not stated): gnomAD 0.00001; gnomAD exomes 0.00001.
gnomAD v4.1: 1 of 1,208,596 alleles (0.000083%); highest among the groups gnomAD compares: Non-Finnish European, 0.00011%; no homozygotes.

Submissions (2):

Labcorp Genetics (formerly Invitae), Labcorp
Classification: Likely benign for Oto-palato-digital syndrome, type II; Heterotopia, periventricular, X-linked dominant; Frontometaphyseal dysplasia; Melnick-Needles syndrome. Last evaluated: 2025-02-27. Review status: criteria provided, single submitter. Criteria: Invitae Variant Classification Sherloc (09022015). Collection method: clinical testing. Allele origin: germline.

GeneDx
Classification: Uncertain significance. Last evaluated: 2016-12-28. Review status: criteria provided, single submitter. Criteria: GeneDx Variant Classification (06012015). Collection method: clinical testing. Allele origin: germline. Affected: yes.
Comment: The G1640R variant in the FLNA gene has not been reported previously as a pathogenic variant, nor as a benign variant, to our knowledge. The G1640R variant was not observed in approximately 6300 individuals of European and African American ancestry in the NHLBI Exome Sequencing Project, indicating it is not a common benign variant in these populations. The G1640R variant is a non-conservative amino acid substitution, which is likely to impact secondary protein structure as these residues differ in polarity, charge, size and/or other properties. This substitution occurs at a position that is conserved across species. In silico analysis predicts this variant is probably damaging to the protein structure/function. We interpret G1640R as a variant of uncertain significance

NM_001110556.2(FLNA):c.4918G>A (p.Gly1640Arg)

Gene: FLNA (filamin A; minus strand). Cytogenetic location: Xq28.
Variant type: single nucleotide variant.
Coding change: c.4918G>A on transcript NM_001110556.2 (MANE Select); coding-DNA position 4918, G replaced by A.
Protein change: p.Gly1640Arg; replaces glycine 1640 with arginine.
Molecular consequence: missense variant.
Genome position (GRCh38, 1-based): chrX:154,357,461, C>T on the plus strand (G>A on the coding strand, the complement: FLNA is on the minus strand). VCF-style: chrX-154357461-C-T. GRCh37 (hg19) VCF-style: chrX-153585829-C-T.
Other names: c.4918G>A, p.Gly1640Arg (NM_001456.4); short protein forms G1640R.
Identifiers: ClinVar variation 392298 (VCV000392298.7), dbSNP rs1057524434, ClinGen allele CA16608774.